The following is an entry in ClinVar:

NM_007180.3(TREH):c.423+6A>T

Gene: TREH (trehalase; minus strand). Cytogenetic location: 11q23.3.
Variant type: single nucleotide variant.
Coding change: c.423+6A>T on transcript NM_007180.3 (MANE Select); 6 bases into the intron after coding-DNA position 423, A replaced by T.
Molecular consequence: intron variant.
Genome position (GRCh38, 1-based): chr11:118,662,875, T>A on the plus strand (A>T on the coding strand, the complement: TREH is on the minus strand). VCF-style: chr11-118662875-T-A. GRCh37 (hg19) VCF-style: chr11-118533584-T-A.
Other names: c.423+6A>T (NM_001301065.2).
Identifiers: ClinVar variation 3036504 (VCV003036504.2), dbSNP rs2500855341, ClinGen allele CA2739345410.

ClinVar aggregate classification (germline): Likely benign (0 of 4 stars; one submission).

Conditions:
TREH-related disorder. Also called: TREH-related condition.

Submission:

PreventionGenetics, part of Exact Sciences
Classification: Likely benign for TREH-related condition. Last evaluated: 2020-08-10. Review status: no assertion criteria provided. Collection method: clinical testing. Allele origin: germline.
Comment: This variant is classified as likely benign based on ACMG/AMP sequence variant interpretation guidelines (Richards et al. 2015 PMID: 25741868, with internal and published modifications).